The following is an entry in ClinVar:

ClinVar aggregate classification (germline): Uncertain significance (1 of 4 stars; one submission).

Conditions:
Chédiak-Higashi syndrome (CHS). Also called: Chediak-Higashi Syndrome. Identifiers: Orphanet 167, MedGen C0007965, MONDO:0008963, OMIM 214500.

Allele frequency attached by ClinVar (database versions not stated): ExAC 0.00001; gnomAD 0.00001; TOPMed 0.00001; gnomAD exomes 0.00002.

Submission:

Labcorp Genetics (formerly Invitae), Labcorp
Classification: Uncertain significance for Chédiak-Higashi syndrome. Last evaluated: 2022-03-04. Review status: criteria provided, single submitter. Criteria: Invitae Variant Classification Sherloc (09022015). Collection method: clinical testing. Allele origin: germline.
Comment: This sequence change replaces methionine, which is neutral and non-polar, with valine, which is neutral and non-polar, at codon 1389 of the LYST protein (p.Met1389Val). This variant is present in population databases (rs760539546, gnomAD 0.003%). This variant has not been reported in the literature in individuals affected with LYST-related conditions. Algorithms developed to predict the effect of missense changes on protein structure and function output the following: SIFT: "Tolerated"; PolyPhen-2: "Benign"; Align-GVGD: "Class C0". The valine amino acid residue is found in multiple mammalian species, which suggests that this missense change does not adversely affect protein function. Algorithms developed to predict the effect of sequence changes on RNA splicing suggest that this variant may create or strengthen a splice site. In summary, the available evidence is currently insufficient to determine the role of this variant in disease. Therefore, it has been classified as a Variant of Uncertain Significance.

NM_000081.4(LYST):c.4165A>G (p.Met1389Val)

Gene: LYST (lysosomal trafficking regulator; minus strand). Cytogenetic location: 1q42.3.
Variant type: single nucleotide variant.
Coding change: c.4165A>G on transcript NM_000081.4 (MANE Select); coding-DNA position 4165, A replaced by G.
Protein change: p.Met1389Val; replaces methionine 1389 with valine.
Molecular consequence: missense variant.
Genome position (GRCh38, 1-based): chr1:235,792,077, T>C on the plus strand (A>G on the coding strand, the complement: LYST is on the minus strand). VCF-style: chr1-235792077-T-C. GRCh37 (hg19) VCF-style: chr1-235955377-T-C.
Other names: c.4165A>G, p.Met1389Val (NM_001301365.1); short protein forms M1389V.
Identifiers: ClinVar variation 1944371 (VCV001944371.2), dbSNP rs760539546, ClinGen allele CA1466901.